The following is an entry in ClinVar:

ClinVar aggregate classification (germline): Uncertain significance. Review status: criteria provided, multiple submitters, no conflicts (2 of 4 stars). 3 submissions from 3 submitters: Uncertain significance (3). Last evaluated 2024-05-28.

Conditions:
Left ventricular noncompaction 1 (LVNC1). Also called: LEFT VENTRICULAR NONCOMPACTION 1 WITH OR WITHOUT CONGENITAL HEART DEFECTS. Identifiers: Orphanet 54260, MedGen C1858725, MONDO:0011403, OMIM 604169.

Allele frequency attached by ClinVar (database versions not stated): gnomAD exomes below 0.00001; TOPMed below 0.00001; gnomAD 0.00001.
gnomAD v4.1: 8 of 1,614,012 alleles (0.0005%); highest among the groups gnomAD compares: Non-Finnish European, 0.00068%; no homozygotes.

Submissions (3):

Ambry Genetics
Classification: Uncertain significance. Last evaluated: 2024-05-28. Review status: criteria provided, single submitter. Criteria: Ambry Variant Classification Scheme 2023. Collection method: clinical testing. Allele origin: germline.

New York Genome Center
Classification: Uncertain significance for Left ventricular noncompaction 1. Last evaluated: 2023-02-24. Review status: criteria provided, single submitter. Criteria: NYGC Assertion Criteria 2020. Collection method: clinical testing. Allele origin: germline. Observed: 1 heterozygote.

Laboratory for Molecular Medicine, Mass General Brigham Personalized Medicine
Classification: Uncertain significance. Last evaluated: 2014-04-16. Review status: criteria provided, single submitter. Criteria: LMM Criteria. Collection method: clinical testing. Allele origin: germline. Observed: 1 variant allele.
Comment: The Pro318His variant in DTNA has not been previously reported in individuals wi th cardiomyopathy or in large population studies. Computational prediction tool s and conservation analysis suggest that the Pro318His variant may impact the pr otein, though this information is not predictive enough to determine pathogenici ty. In summary, the clinical significance of the Pro318His variant is uncertain.

NM_001386795.1(DTNA):c.953C>A (p.Pro318His)

Gene: DTNA (dystrobrevin alpha; plus strand). Cytogenetic location: 18q12.1.
Variant type: single nucleotide variant.
Coding change: c.953C>A on transcript NM_001386795.1 (MANE Select); coding-DNA position 953, C replaced by A.
Protein change: p.Pro318His; replaces proline 318 with histidine.
Molecular consequence: missense variant. On other transcripts: 5 prime UTR variant (4), intron variant (1).
Genome position (GRCh38, 1-based): chr18:34,820,867, C>A. VCF-style: chr18-34820867-C-A. GRCh37 (hg19) VCF-style: chr18-32400831-C-A.
Other names: c.953C>A, p.Pro318His (NM_001128175.2, NM_001198938.2, NM_001198939.2 and 34 more transcripts); c.-2C>A (NM_001198942.1, NM_001198944.1, NM_032980.4 and 1 more transcripts); c.203C>A, p.Pro68His (NM_001198943.1); c.603+8754C>A (NM_001198945.2); c.953C>A (NM_001390.4, NM_032978.6); short protein forms P318H, P68H.
Identifiers: ClinVar variation 179728 (VCV000179728.6), dbSNP rs727505085, ClinGen allele CA185006.
Genomic context (GRCh38, chr18:34,820,867, plus strand): 5'-AGCTGACTAATGCATTAAGCAAGTCCCTGAGCTGTGCTTCCAGCCGTGAACCTTTGCACC[C>A]CATGTTCCCAGATCAGCCTGAGAAGCCACTCAACTTGGCTCACATCGTGTGAGTATCCCT-3'
Protein context (NP_001373724.1, residues 308-328): SCASSREPLH[Pro318His]MFPDQPEKPL